The following is an entry in ClinVar:

NM_015909.4(NBAS):c.6709G>A (p.Glu2237Lys)

Gene: NBAS (NBAS subunit of NRZ tethering complex; minus strand). Cytogenetic location: 2p24.3.
Variant type: single nucleotide variant.
Coding change: c.6709G>A on transcript NM_015909.4 (MANE Select); coding-DNA position 6709, G replaced by A.
Protein change: p.Glu2237Lys; replaces glutamic acid 2237 with lysine.
Molecular consequence: missense variant. On other transcripts: non-coding transcript variant (1).
Genome position (GRCh38, 1-based): chr2:15,186,744, C>T on the plus strand (G>A on the coding strand, the complement: NBAS is on the minus strand). VCF-style: chr2-15186744-C-T. GRCh37 (hg19) VCF-style: chr2-15326868-C-T.
Other names: c.6709G>A (NM_015909.2); short protein forms E2237K.
Identifiers: ClinVar variation 1442342 (VCV001442342.6), dbSNP rs749317313, ClinGen allele CA1534926.

ClinVar aggregate classification (germline): Uncertain significance. Review status: criteria provided, multiple submitters, no conflicts (2 of 4 stars). 2 submissions from 2 submitters: Uncertain significance (2). Last evaluated 2022-10-12.

Conditions:
Inborn genetic diseases. Identifiers: MedGen C0950123, MeSH D030342.

Allele frequency attached by ClinVar (database versions not stated): TOPMed 0.00003; ExAC 0.00002; gnomAD 0.00003; gnomAD exomes 0.00003.
gnomAD v4.1: 54 of 1,613,730 alleles (0.0033%); highest among the groups gnomAD compares: Non-Finnish European, 0.0045%; no homozygotes.

Submissions (2):

Ambry Genetics
Classification: Uncertain significance for Inborn genetic diseases. Last evaluated: 2022-10-12. Review status: criteria provided, single submitter. Criteria: Ambry Variant Classification Scheme 2023. Collection method: clinical testing. Allele origin: germline.

Labcorp Genetics (formerly Invitae), Labcorp
Classification: Uncertain significance. Last evaluated: 2022-09-26. Review status: criteria provided, single submitter. Criteria: Invitae Variant Classification Sherloc (09022015). Collection method: clinical testing. Allele origin: germline.
Comment: This sequence change replaces glutamic acid, which is acidic and polar, with lysine, which is basic and polar, at codon 2237 of the NBAS protein (p.Glu2237Lys). This variant is present in population databases (rs749317313, gnomAD 0.005%). This variant has not been reported in the literature in individuals affected with NBAS-related conditions. ClinVar contains an entry for this variant (Variation ID: 1442342). Algorithms developed to predict the effect of missense changes on protein structure and function (SIFT, PolyPhen-2, Align-GVGD) all suggest that this variant is likely to be disruptive. In summary, the available evidence is currently insufficient to determine the role of this variant in disease. Therefore, it has been classified as a Variant of Uncertain Significance.